The following is an entry in ClinVar:

NM_000093.5(COL5A1):c.5271G>A (p.Thr1757=)

Genes: COL5A1 (collagen type V alpha 1 chain; plus strand), LOC101448202 (uncharacterized LOC101448202; minus strand). Cytogenetic location: 9q34.3.
Variant type: single nucleotide variant.
Coding change: c.5271G>A on transcript NM_000093.5 (MANE Select); coding-DNA position 5271, G replaced by A.
Protein change: p.Thr1757=; no amino-acid change (threonine 1757 retained).
Molecular consequence: synonymous variant.
Genome position (GRCh38, 1-based): chr9:134,835,105, G>A. VCF-style: chr9-134835105-G-A. GRCh37 (hg19) VCF-style: chr9-137726951-G-A.
Other names: c.5271G>A, p.Thr1757= (NM_001278074.1).
Identifiers: ClinVar variation 415438 (VCV000415438.17), dbSNP rs142886387, ClinGen allele CA5320679.

ClinVar aggregate classification (germline): Benign/Likely benign. Review status: criteria provided, multiple submitters, no conflicts (2 of 4 stars). 4 submissions from 4 submitters: Benign (1); Likely benign (2). 1 of the submissions does not count toward it. Last evaluated 2026-01-06.

Conditions:
COL5A1-related disorder. Also called: COL5A1-related condition.
Ehlers-Danlos syndrome, classic type, 1 (EDSCL1). Also called: EHLERS-DANLOS SYNDROME, GRAVIS TYPE; EHLERS-DANLOS SYNDROME, SEVERE CLASSIC TYPE; Ehlers-Danlos Syndrome, Classic Type, COL5A1-Related; EDS I; Ehlers-Danlos syndrome, type 1. Identifiers: MedGen C0268335, MONDO:0019567, OMIM 130000.
Familial thoracic aortic aneurysm and aortic dissection (TAAD). Also called: Thoracic aortic aneurysms and dissections. Identifiers: Orphanet 91387, MedGen C4707243, MONDO:0019625.

Allele frequency attached by ClinVar (database versions not stated): ExAC 0.00003; TOPMed 0.00007; gnomAD exomes 0.00014 and 0.00005; gnomAD 0.00007; ESP Exome Variant Server 0.00015.
gnomAD v4.1: 219 of 1,613,630 alleles (0.014%); highest among the groups gnomAD compares: Non-Finnish European, 0.018%; no homozygotes.

Submissions (4):

Labcorp Genetics (formerly Invitae), Labcorp
Classification: Likely benign for Ehlers-Danlos syndrome, classic type, 1. Last evaluated: 2026-01-06. Review status: criteria provided, single submitter. Criteria: Invitae Variant Classification Sherloc (09022015). Collection method: clinical testing. Allele origin: germline.

Women's Health and Genetics/Laboratory Corporation of America, LabCorp
Classification: Benign. Last evaluated: 2023-12-17. Review status: criteria provided, single submitter. Criteria: LabCorp Variant Classification Summary - May 2015. Collection method: clinical testing. Allele origin: germline.

Ambry Genetics
Classification: Likely benign for Familial thoracic aortic aneurysm and aortic dissection. Last evaluated: 2021-09-10. Review status: criteria provided, single submitter. Criteria: Ambry Variant Classification Scheme 2023. Collection method: clinical testing. Allele origin: germline.

PreventionGenetics, part of Exact Sciences
Classification: Likely benign for COL5A1-related condition. Last evaluated: 2022-09-08. Review status: no assertion criteria provided. Collection method: clinical testing. Allele origin: germline. Not counted in ClinVar's aggregate classification.
Comment: This variant is classified as likely benign based on ACMG/AMP sequence variant interpretation guidelines (Richards et al. 2015 PMID: 25741868, with internal and published modifications).